The following is an entry in ClinVar:

ClinVar aggregate classification (germline): Likely benign. Review status: criteria provided, multiple submitters, no conflicts (2 of 4 stars). 2 submissions from 2 submitters: Likely benign (2). Last evaluated 2024-08-13.

Conditions:
Dystonic disorder. Also called: Dystonia. Identifiers: MedGen C0013421, MONDO:0003441, HP:0001332.

Allele frequency attached by ClinVar (database versions not stated): gnomAD 0.00004 and 0.00006; gnomAD exomes 0.00006; TOPMed 0.00009; ExAC 0.00010; 1000 Genomes Project 0.00020; 1000 Genomes Project 30x 0.00047.
gnomAD v4.1: 120 of 1,554,694 alleles (0.0077%); highest among the groups gnomAD compares: Middle Eastern, 0.017%; no homozygotes.

Submissions (2):

Labcorp Genetics (formerly Invitae), Labcorp
Classification: Likely benign for Dystonic disorder. Last evaluated: 2024-08-13. Review status: criteria provided, single submitter. Criteria: Invitae Variant Classification Sherloc (09022015). Collection method: clinical testing. Allele origin: germline.

CeGaT Center for Human Genetics Tuebingen
Classification: Likely benign. Last evaluated: 2024-08-01. Review status: criteria provided, single submitter. Criteria: CeGaT Center For Human Genetics Tuebingen Variant Classification Criteria Version 2. Collection method: clinical testing. Allele origin: germline. Affected: yes. Observed: 1 variant allele.
Comment: CIZ1: BP4, BP7

NM_001131016.2(CIZ1):c.2520C>T (p.Thr840=)

Gene: CIZ1 (CDKN1A interacting zinc finger protein 1; minus strand). Cytogenetic location: 9q34.11.
Variant type: single nucleotide variant.
Coding change: c.2520C>T on transcript NM_001131016.2 (MANE Select); coding-DNA position 2520, C replaced by T.
Protein change: p.Thr840=; no amino-acid change (threonine 840 retained).
Molecular consequence: synonymous variant.
Genome position (GRCh38, 1-based): chr9:128,166,374, G>A on the plus strand (C>T on the coding strand, the complement: CIZ1 is on the minus strand). VCF-style: chr9-128166374-G-A. GRCh37 (hg19) VCF-style: chr9-130928653-G-A.
Other names: c.2352C>T, p.Thr784= (NM_001131015.2); c.2337C>T, p.Thr779= (NM_001131017.2); c.2280C>T, p.Thr760= (NM_001131018.2); c.2688C>T, p.Thr896= (NM_001257975.2); c.2217C>T, p.Thr739= (NM_001257976.2); c.2520C>T, p.Thr840= (NM_012127.3).
Identifiers: ClinVar variation 1108507 (VCV001108507.25), dbSNP rs184638839, ClinGen allele CA5256977.
Genomic context (GRCh38, chr9:128,166,374, plus strand): 5'-GAACAGGGCTGTCAAAGCGTTCCGGGCGTTGATTGCGCACCGGCGGCTCACAGGTCGGGT[G>A]GTGGGGCTGGGGTTCTTGGCCGCCTTGTATTTCTGGATACAGAAGGTGCAGGTAAGGTCA-3'
Protein context (NP_001124488.1, residues 830-850): KYKAAKNPSP[Thr840=]TRPVSRRCAI